The following is an entry in ClinVar:

NM_198578.4(LRRK2):c.4271G>A (p.Gly1424Glu)

Gene: LRRK2 (leucine rich repeat kinase 2; plus strand). Cytogenetic location: 12q12.
Variant type: single nucleotide variant.
Coding change: c.4271G>A on transcript NM_198578.4 (MANE Select); coding-DNA position 4271, G replaced by A.
Protein change: p.Gly1424Glu; replaces glycine 1424 with glutamic acid.
Molecular consequence: missense variant.
Genome position (GRCh38, 1-based): chr12:40,309,187, G>A. VCF-style: chr12-40309187-G-A. GRCh37 (hg19) VCF-style: chr12-40702989-G-A.
Other names: short protein forms G1424E.
Identifiers: ClinVar variation 2453014 (VCV002453014.2), dbSNP rs2499818314, ClinGen allele CA384418138.

ClinVar aggregate classification (germline): Uncertain significance (1 of 4 stars; one submission).

Conditions:
Inborn genetic diseases. Identifiers: MedGen C0950123, MeSH D030342.

Submission:

Ambry Genetics
Classification: Uncertain significance for Inborn genetic diseases. Last evaluated: 2022-11-15. Review status: criteria provided, single submitter. Criteria: Ambry Variant Classification Scheme 2023. Collection method: clinical testing. Allele origin: germline.
Comment: The p.G1424E variant (also known as c.4271G>A), located in coding exon 30 of the LRRK2 gene, results from a G to A substitution at nucleotide position 4271. The glycine at codon 1424 is replaced by glutamic acid, an amino acid with similar properties. This amino acid position is conserved. In addition, this alteration is predicted to be deleterious by in silico analysis. Since supporting evidence is limited at this time, the clinical significance of this alteration remains unclear.